The following is an entry in ClinVar:

ClinVar aggregate classification (germline): Conflicting classifications of pathogenicity. Review status: criteria provided, conflicting classifications (1 of 4 stars). 4 submissions from 4 submitters: Uncertain significance (1); Likely benign (3). Last evaluated 2025-09-17.

Conditions:
Inborn genetic diseases. Identifiers: MedGen C0950123, MeSH D030342.
POLR1C-related disorder. Also called: POLR1C-related disorders; POLR1C-related condition. Identifiers: MedGen CN239394, MONDO:0700278.

Allele frequency attached by ClinVar (database versions not stated): ExAC 0.00021; ESP Exome Variant Server 0.00046; 1000 Genomes Project 0.00060; gnomAD 0.00066 and 0.00070; TOPMed 0.00074; 1000 Genomes Project 30x 0.00078; gnomAD exomes 0.00006 and 0.00015.
gnomAD v4.1: 191 of 1,613,350 alleles (0.012%); highest among the groups gnomAD compares: African/African-American, 0.23%; no homozygotes.

Submissions (4):

Labcorp Genetics (formerly Invitae), Labcorp
Classification: Likely benign. Last evaluated: 2025-09-17. Review status: criteria provided, single submitter. Criteria: Invitae Variant Classification Sherloc (09022015). Collection method: clinical testing. Allele origin: germline.

Ambry Genetics
Classification: Likely benign for Inborn genetic diseases. Last evaluated: 2025-03-07. Review status: criteria provided, single submitter. Criteria: Ambry Variant Classification Scheme 2023. Collection method: clinical testing. Allele origin: germline.

PreventionGenetics, part of Exact Sciences
Classification: Likely benign for POLR1C-related condition. Last evaluated: 2024-12-27. Review status: criteria provided, single submitter. Criteria: ACMG Guidelines, 2015. Collection method: clinical testing. Allele origin: germline.
Comment: This variant is classified as likely benign based on ACMG/AMP sequence variant interpretation guidelines (Richards et al. 2015 PMID: 25741868, with internal and published modifications).

GeneDx
Classification: Uncertain significance. Last evaluated: 2024-04-04. Review status: criteria provided, single submitter. Criteria: GeneDx Variant Classification Process June 2021. Collection method: clinical testing. Allele origin: germline. Affected: yes.
Comment: In silico analysis indicates that this missense variant does not alter protein structure/function; In silico analysis is inconclusive as to whether the variant alters gene splicing. In the absence of RNA/functional studies, the actual effect of this sequence change is unknown.; Has not been previously published as pathogenic or benign to our knowledge

NM_203290.4(POLR1C):c.550C>G (p.Leu184Val)

Gene: POLR1C (RNA polymerase I and III subunit C; plus strand). Cytogenetic location: 6p21.1.
Variant type: single nucleotide variant.
Coding change: c.550C>G on transcript NM_203290.4 (MANE Select); coding-DNA position 550, C replaced by G.
Protein change: p.Leu184Val; replaces leucine 184 with valine.
Molecular consequence: missense variant.
Genome position (GRCh38, 1-based): chr6:43,520,322, C>G. VCF-style: chr6-43520322-C-G. GRCh37 (hg19) VCF-style: chr6-43488060-C-G.
Other names: c.550C>G, p.Leu184Val (NM_001318876.2, NM_001363658.2); c.550C>G (NM_203290.3, NM_203290.2); short protein forms L184V.
Identifiers: ClinVar variation 1633534 (VCV001633534.11), dbSNP rs149840242, ClinGen allele CA3825484.